The following is an entry in ClinVar:

NM_001134363.3(RBM20):c.2938T>C (p.Ser980Pro)

Gene: RBM20 (RNA binding motif protein 20; plus strand). Cytogenetic location: 10q25.2.
Variant type: single nucleotide variant.
Coding change: c.2938T>C on transcript NM_001134363.3 (MANE Select); coding-DNA position 2938, T replaced by C.
Protein change: p.Ser980Pro; replaces serine 980 with proline.
Molecular consequence: missense variant.
Genome position (GRCh38, 1-based): chr10:110,821,557, T>C. VCF-style: chr10-110821557-T-C. GRCh37 (hg19) VCF-style: chr10-112581315-T-C.
Other names: short protein forms S980P.
Identifiers: ClinVar variation 2728501 (VCV002728501.4), dbSNP rs2493494116, ClinGen allele CA378378508.

ClinVar aggregate classification (germline): Uncertain significance. Review status: criteria provided, multiple submitters, no conflicts (2 of 4 stars). 2 submissions from 2 submitters: Uncertain significance (2). Last evaluated 2024-09-08.

Conditions:
Cardiovascular phenotype. Identifiers: MedGen CN230736.
Dilated cardiomyopathy 1DD (CMD1DD). Identifiers: Orphanet 154, MedGen C2750995, MONDO:0013168, OMIM 613172.

Submissions (2):

Ambry Genetics
Classification: Uncertain significance for Cardiovascular phenotype. Last evaluated: 2024-09-08. Review status: criteria provided, single submitter. Criteria: Ambry Variant Classification Scheme 2023. Collection method: clinical testing. Allele origin: germline.
Comment: The p.S980P variant (also known as c.2938T>C), located in coding exon 11 of the RBM20 gene, results from a T to C substitution at nucleotide position 2938. The serine at codon 980 is replaced by proline, an amino acid with similar properties. This amino acid position is conserved. In addition, this alteration is predicted to be tolerated by in silico analysis. Based on the available evidence, the clinical significance of this variant remains unclear.

Labcorp Genetics (formerly Invitae), Labcorp
Classification: Uncertain significance for Dilated cardiomyopathy 1DD. Last evaluated: 2023-11-24. Review status: criteria provided, single submitter. Criteria: Invitae Variant Classification Sherloc (09022015). Collection method: clinical testing. Allele origin: germline.
Comment: This sequence change replaces serine, which is neutral and polar, with proline, which is neutral and non-polar, at codon 980 of the RBM20 protein (p.Ser980Pro). This variant is not present in population databases (gnomAD no frequency). This variant has not been reported in the literature in individuals affected with RBM20-related conditions. Advanced modeling of protein sequence and biophysical properties (such as structural, functional, and spatial information, amino acid conservation, physicochemical variation, residue mobility, and thermodynamic stability) performed at Invitae indicates that this missense variant is not expected to disrupt RBM20 protein function with a negative predictive value of 95%. In summary, the available evidence is currently insufficient to determine the role of this variant in disease. Therefore, it has been classified as a Variant of Uncertain Significance.